The following is an entry in ClinVar:

ClinVar aggregate classification (germline): Uncertain significance (1 of 4 stars; one submission).

Submission:

GeneDx
Classification: Uncertain significance. Last evaluated: 2025-03-05. Review status: criteria provided, single submitter. Criteria: GeneDx Variant Classification Process June 2021. Collection method: clinical testing. Allele origin: germline. Affected: yes.
Comment: Not observed at significant frequency in large population cohorts (gnomAD); Nonsense variant predicted to result in protein truncation or nonsense mediated decay in a gene or region of a gene for which loss of function is not a well-established mechanism of disease; Has not been previously published as pathogenic or benign to our knowledge

NM_001220.5(CAMK2B):c.1246del (p.Ile415_Leu416insTer)

Gene: CAMK2B (calcium/calmodulin dependent protein kinase II beta; minus strand). Cytogenetic location: 7p13.
Variant type: Deletion.
Coding change: c.1246del on transcript NM_001220.5 (MANE Select); coding-DNA position 1246, one base deleted (C; older notation c.1246delC).
Protein change: p.Ile415_Leu416insTer.
Molecular consequence: nonsense. On other transcripts: intron variant (8).
Genome position (GRCh38, 1-based): chr7:44,229,481, G deleted on the plus strand (C on the coding strand, the reverse complement: CAMK2B is on the minus strand); the first of 2 consecutive G bases (chr7:44,229,481-44,229,482); deleting either gives the same sequence. VCF-style (leftmost placement, unchanged base first): chr7-44229480-AG-A. GRCh37 (hg19) VCF-style: chr7-44269079-AG-A.
Other names: c.947-8580del (NM_172084.3); c.1150+1525del (NM_172080.3); c.1036+1525del (NM_172083.3); c.1108+1525del (NM_172081.3); c.1153+1525del (NM_172079.3, NM_172082.3); c.1225+1525del (NM_001293170.2, NM_172078.3).
Identifiers: ClinVar variation 4082885 (VCV004082885.1).